The following is an entry in ClinVar:

ClinVar aggregate classification (germline): Uncertain significance. Review status: criteria provided, multiple submitters, no conflicts (2 of 4 stars). 2 submissions from 2 submitters: Uncertain significance (2). Last evaluated 2024-05-14.

Conditions:
Inborn genetic diseases. Identifiers: MedGen C0950123, MeSH D030342.

Allele frequency attached by ClinVar (database versions not stated): gnomAD exomes below 0.00001.
gnomAD v4.1: 6 of 1,613,674 alleles (0.00037%); highest among the groups gnomAD compares: Middle Eastern, 0.017%; no homozygotes.

Submissions (2):

GeneDx
Classification: Uncertain significance. Last evaluated: 2024-05-14. Review status: criteria provided, single submitter. Criteria: GeneDx Variant Classification Process June 2021. Collection method: clinical testing. Allele origin: germline. Affected: yes.
Comment: Not observed at significant frequency in large population cohorts (gnomAD); In silico analysis supports that this missense variant has a deleterious effect on protein structure/function; In silico analysis is inconclusive as to whether the variant alters gene splicing. In the absence of RNA/functional studies, the actual effect of this sequence change is unknown.; Has not been previously published as pathogenic or benign to our knowledge

Ambry Genetics
Classification: Uncertain significance for Inborn genetic diseases. Last evaluated: 2020-08-17. Review status: criteria provided, single submitter. Criteria: Ambry Variant Classification Scheme 2023. Collection method: clinical testing. Allele origin: germline.
Comment: The alteration results in an amino acid change:_x000D_ _x000D_ The c.13448G>T (p.G4483V) alteration is located in exon 73 (coding exon 72) of the HERC1 gene. This alteration results from a G to T substitution at nucleotide position 13448, causing the glycine (G) at amino acid position 4483 to be replaced by a valine (V). The alteration is not observed in population databases:_x000D_ _x000D_ Based on data from the Genome Aggregation Database (gnomAD), the HERC1 c.13448G>T alteration was not observed, with coverage at this position. The altered amino acid is conserved throughout evolution:_x000D_ _x000D_ The p.G4483 amino acid is conserved in available vertebrate species. The alteration is predicted tolerated by in silico modeling:_x000D_ _x000D_ The p.G4483V alteration is predicted to be tolerated by in silico analysis. Based on insufficient or conflicting evidence, the clinical significance of this alteration remains unclear.

NM_003922.4(HERC1):c.13448G>T (p.Gly4483Val)

Gene: HERC1 (HECT and RLD domain containing E3 ubiquitin protein ligase family member 1; minus strand). Cytogenetic location: 15q22.31.
Variant type: single nucleotide variant.
Coding change: c.13448G>T on transcript NM_003922.4 (MANE Select); coding-DNA position 13448, G replaced by T.
Protein change: p.Gly4483Val; replaces glycine 4483 with valine.
Molecular consequence: missense variant.
Genome position (GRCh38, 1-based): chr15:63,623,888, C>A on the plus strand (G>T on the coding strand, the complement: HERC1 is on the minus strand). VCF-style: chr15-63623888-C-A. GRCh37 (hg19) VCF-style: chr15-63916087-C-A.
Other names: short protein forms G4483V.
Identifiers: ClinVar variation 2227372 (VCV002227372.3), dbSNP rs2068189552, ClinGen allele CA392734390.